The following is an entry in ClinVar:

ClinVar aggregate classification (germline): Likely pathogenic (1 of 4 stars; one submission).

Conditions:
Peroxisome biogenesis disorder. Identifiers: Orphanet 79189, MedGen C1832200, MONDO:0019234. Disease mechanism: loss of function.

Submission:

Labcorp Genetics (formerly Invitae), Labcorp
Classification: Likely pathogenic for Peroxisome biogenesis disorder. Last evaluated: 2025-02-10. Review status: criteria provided, single submitter. Criteria: Invitae Variant Classification Sherloc (09022015). Collection method: clinical testing. Allele origin: germline.
Comment: This sequence change affects a donor splice site in intron 13 of the PEX6 gene. It is expected to disrupt RNA splicing. Variants that disrupt the donor or acceptor splice site typically lead to a loss of protein function (PMID: 16199547), and loss-of-function variants in PEX6 are known to be pathogenic (PMID: 10408779, 21031596, 31831025). This variant is not present in population databases (gnomAD no frequency). This variant has not been reported in the literature in individuals affected with PEX6-related conditions. ClinVar contains an entry for this variant (Variation ID: 2750297). Algorithms developed to predict the effect of sequence changes on RNA splicing suggest that this variant may disrupt the consensus splice site. In summary, the currently available evidence indicates that the variant is pathogenic, but additional data are needed to prove that conclusively. Therefore, this variant has been classified as Likely Pathogenic.

Literature cited by the submitters: PubMed 16199547; PubMed 10408779; PubMed 21031596; PubMed 31831025.

NM_000287.4(PEX6):c.2471+1G>A

Gene: PEX6 (peroxisomal biogenesis factor 6; minus strand). Cytogenetic location: 6p21.1.
Variant type: single nucleotide variant.
Coding change: c.2471+1G>A on transcript NM_000287.4 (MANE Select); the canonical splice donor site of the intron after coding-DNA position 2471, G replaced by A.
Molecular consequence: splice donor variant.
Genome position (GRCh38, 1-based): chr6:42,965,680, C>T on the plus strand (G>A on the coding strand, the complement: PEX6 is on the minus strand). VCF-style: chr6-42965680-C-T. GRCh37 (hg19) VCF-style: chr6-42933418-C-T.
Other names: c.2207+1G>A (NM_001316313.2).
Identifiers: ClinVar variation 2750297 (VCV002750297.3), dbSNP rs2481202424, ClinGen allele CA364151277.
Genomic context (GRCh38, chr6:42,965,680, plus strand): 5'-AGCTTTCTCATATCCTTCCCACCCTGGACCCCTCAGCTTTCATTCCCACTCAGACCCCTA[C>T]CTGTCCATCACTCCTCCAGAATCTCCACTTCGCCCCCGGCTTGGGGCCAAAGAGTCCAGT-3'